The following is an entry in ClinVar:

NM_000138.5(FBN1):c.1669_1677dup (p.Cys557_Ala559dup)

Gene: FBN1 (fibrillin 1; minus strand). Cytogenetic location: 15q21.1.
Variant type: Duplication.
Coding change: c.1669_1677dup on transcript NM_000138.5 (MANE Select); coding-DNA positions 1669 to 1677, 9 bases duplicated (TGTAATGCG; older notation c.1669_1677dupTGTAATGCG).
Protein change: p.Cys557_Ala559dup.
Molecular consequence: inframe insertion.
Genome position (GRCh38, 1-based): chr15:48,510,081-48,510,089, CGCATTACA duplicated on the plus strand (TGTAATGCG on the coding strand, the reverse complement: FBN1 is on the minus strand); duplicating any 9 consecutive bases within chr15:48,510,081-48,510,090 gives the same sequence; the c. name uses the placement nearest the transcript's 3' end. VCF-style (leftmost placement, unchanged base first): chr15-48510080-C-CCGCATTACA. GRCh37 (hg19) VCF-style: chr15-48802277-C-CCGCATTACA.
Other names: c.1669_1677dupTGTAATGCG (NM_000138.4).
Identifiers: ClinVar variation 36037 (VCV000036037.3), dbSNP rs193922181, ClinGen allele CA012454.

ClinVar aggregate classification (germline): Likely pathogenic (1 of 4 stars; one submission).

Conditions:
Marfan syndrome (MFS). Also called: FBN1-Related Marfan Syndrome; Marfan syndrome type 1; Marfan's syndrome; Marfan syndrome, classic; MARFAN SYNDROME, TYPE I. Identifiers: Orphanet 284963, Orphanet 558, MedGen C0024796, MONDO:0007947, OMIM 154700.

Submission:

Women's Health and Genetics/Laboratory Corporation of America, LabCorp
Classification: Likely pathogenic for Marfan Syndrome. Last evaluated: 2011-08-18. Review status: criteria provided, single submitter. Criteria: LabCorp Variant Classification Summary - May 2015. Collection method: curation, clinical testing. Allele origin: germline. Inheritance: autosomal unknown. Affected: yes.
ClinVar note: Converted during submission from likely pathogenic to Likely pathogenic.